The following is an entry in ClinVar:

NM_182914.3(SYNE2):c.20103G>A (p.Ala6701=)

Gene: SYNE2 (spectrin repeat containing nuclear envelope protein 2; plus strand). Cytogenetic location: 14q23.2.
Variant type: single nucleotide variant.
Coding change: c.20103G>A on transcript NM_182914.3 (MANE Select); coding-DNA position 20103, G replaced by A.
Protein change: p.Ala6701=; no amino-acid change (alanine 6701 retained).
Molecular consequence: synonymous variant.
Genome position (GRCh38, 1-based): chr14:64,221,617, G>A. VCF-style: chr14-64221617-G-A. GRCh37 (hg19) VCF-style: chr14-64688335-G-A.
Other names: c.20034G>A, p.Ala6678= (NM_015180.6); c.669G>A, p.Ala223= (NM_182910.2); c.1047G>A, p.Ala349= (NM_182913.4).
Identifiers: ClinVar variation 470965 (VCV000470965.14), dbSNP rs75079588, ClinGen allele CA7224722.

ClinVar aggregate classification (germline): Benign. Review status: criteria provided, multiple submitters, no conflicts (2 of 4 stars). 3 submissions from 3 submitters: Benign (3). Last evaluated 2026-01-24.

Conditions:
SYNE2-related disorder. Also called: SYNE2-related condition.
Emery-Dreifuss muscular dystrophy 5, autosomal dominant (EDMD5). Also called: EMERY-DREIFUSS MUSCULAR DYSTROPHY 5. Identifiers: Orphanet 261, MedGen C2751805, MONDO:0013072, OMIM 612999.

Allele frequency attached by ClinVar (database versions not stated): gnomAD exomes 0.00131; ExAC 0.00170; gnomAD 0.00491 and 0.00522; TOPMed 0.00590; 1000 Genomes Project 0.00599; ESP Exome Variant Server 0.00684; 1000 Genomes Project 30x 0.00687.
gnomAD v4.1: 1,525 of 1,614,078 alleles (0.094%); highest among the groups gnomAD compares: African/African-American, 1.8%; 13 homozygotes.

Submissions (3):

Labcorp Genetics (formerly Invitae), Labcorp
Classification: Benign for Emery-Dreifuss muscular dystrophy 5, autosomal dominant. Last evaluated: 2026-01-24. Review status: criteria provided, single submitter. Criteria: Invitae Variant Classification Sherloc (09022015). Collection method: clinical testing. Allele origin: germline.

PreventionGenetics, part of Exact Sciences
Classification: Benign for SYNE2-related condition. Last evaluated: 2025-12-09. Review status: criteria provided, single submitter. Criteria: ACMG Guidelines, 2015. Collection method: clinical testing. Allele origin: germline.
Comment: This variant is classified as benign based on ACMG/AMP sequence variant interpretation guidelines (Richards et al. 2015 PMID: 25741868, with internal and published modifications).

Breakthrough Genomics
Classification: Benign. Review status: criteria provided, single submitter. Criteria: ACMG Guidelines, 2015. Collection method: not provided. Allele origin: germline. Inheritance: Autosomal dominant inheritance. Affected: yes.